The following is an entry in ClinVar:

ClinVar aggregate classification (germline): Likely benign. Review status: criteria provided, multiple submitters, no conflicts (2 of 4 stars). 3 submissions from 3 submitters: Likely benign (2). 1 of the submissions does not count toward it. Last evaluated 2023-11-06.

Conditions:
TRPM4-related disorder. Also called: TRPM4-related condition; TRPM4-related disorders. Identifiers: MedGen CN239424.
Cardiovascular phenotype. Identifiers: MedGen CN230736.
Progressive familial heart block type IB (PFHB1B). Identifiers: Orphanet 871, MedGen C1970298, MONDO:0011474, OMIM 604559.

Allele frequency attached by ClinVar (database versions not stated): gnomAD 0.00001; gnomAD exomes 0.00001; ExAC 0.00004.
gnomAD v4.1: 12 of 1,613,270 alleles (0.00074%); highest among the groups gnomAD compares: Middle Eastern, 0.016%; no homozygotes.

Submissions (3):

Labcorp Genetics (formerly Invitae), Labcorp
Classification: Likely benign for Progressive familial heart block type IB. Last evaluated: 2023-11-06. Review status: criteria provided, single submitter. Criteria: Invitae Variant Classification Sherloc (09022015). Collection method: clinical testing. Allele origin: germline.

Ambry Genetics
Classification: Likely benign for Cardiovascular phenotype. Last evaluated: 2021-11-29. Review status: criteria provided, single submitter. Criteria: Ambry Variant Classification Scheme 2023. Collection method: clinical testing. Allele origin: germline.

PreventionGenetics, part of Exact Sciences
Classification: Likely benign for TRPM4-related condition. Last evaluated: 2021-02-15. Review status: no assertion criteria provided. Collection method: clinical testing. Allele origin: germline. Not counted in ClinVar's aggregate classification.
Comment: This variant is classified as likely benign based on ACMG/AMP sequence variant interpretation guidelines (Richards et al. 2015 PMID: 25741868, with internal and published modifications).

NM_017636.4(TRPM4):c.708C>T (p.Asp236=)

Gene: TRPM4 (transient receptor potential cation channel subfamily M member 4; plus strand). Cytogenetic location: 19q13.33.
Variant type: single nucleotide variant.
Coding change: c.708C>T on transcript NM_017636.4 (MANE Select); coding-DNA position 708, C replaced by T.
Protein change: p.Asp236=; no amino-acid change (aspartic acid 236 retained).
Molecular consequence: synonymous variant. On other transcripts: 5 prime UTR variant (2).
Genome position (GRCh38, 1-based): chr19:49,168,648, C>T. VCF-style: chr19-49168648-C-T. GRCh37 (hg19) VCF-style: chr19-49671905-C-T.
Other names: c.708C>T, p.Asp236= (NM_001195227.2); c.363C>T, p.Asp121= (NM_001321281.2); c.-846C>T (NM_001321282.2); c.186C>T, p.Asp62= (NM_001321283.2); c.-142C>T (NM_001321285.2).
Identifiers: ClinVar variation 1757079 (VCV001757079.7), dbSNP rs760478666, ClinGen allele CA9568917.